The following is an entry in ClinVar:

NM_004104.5(FASN):c.6229G>A (p.Asp2077Asn)

Gene: FASN (fatty acid synthase; minus strand). Cytogenetic location: 17q25.3.
Variant type: single nucleotide variant.
Coding change: c.6229G>A on transcript NM_004104.5 (MANE Select); coding-DNA position 6229, G replaced by A.
Protein change: p.Asp2077Asn; replaces aspartic acid 2077 with asparagine.
Molecular consequence: missense variant.
Genome position (GRCh38, 1-based): chr17:82,081,778, C>T on the plus strand (G>A on the coding strand, the complement: FASN is on the minus strand). VCF-style: chr17-82081778-C-T. GRCh37 (hg19) VCF-style: chr17-80039654-C-T.
Other names: short protein forms D2077N.
Identifiers: ClinVar variation 462093 (VCV000462093.13), dbSNP rs141935205, ClinGen allele CA8851361.

ClinVar aggregate classification (germline): Uncertain significance. Review status: criteria provided, multiple submitters, no conflicts (2 of 4 stars). 2 submissions from 2 submitters: Uncertain significance (2). Last evaluated 2025-09-10.

Conditions:
Epileptic encephalopathy. Identifiers: MedGen C0543888, HP:0200134.

Allele frequency attached by ClinVar (database versions not stated): gnomAD 0.00025 and 0.00024; TOPMed 0.00030; 1000 Genomes Project 0.00060; 1000 Genomes Project 30x 0.00078; ExAC 0.00007; gnomAD exomes 0.00007; ESP Exome Variant Server 0.00023.
gnomAD v4.1: 78 of 1,612,546 alleles (0.0048%); highest among the groups gnomAD compares: African/African-American, 0.08%; no homozygotes.

Submissions (2):

Labcorp Genetics (formerly Invitae), Labcorp
Classification: Uncertain significance for Epileptic encephalopathy. Last evaluated: 2025-09-10. Review status: criteria provided, single submitter. Criteria: Invitae Variant Classification Sherloc (09022015). Collection method: clinical testing. Allele origin: germline.
Comment: This sequence change replaces aspartic acid, which is acidic and polar, with asparagine, which is neutral and polar, at codon 2077 of the FASN protein (p.Asp2077Asn). This variant is present in population databases (rs141935205, gnomAD 0.07%), and has an allele count higher than expected for a pathogenic variant. This missense change has been observed in individual(s) with developmental disorders (PMID: 33057194, 35982159). ClinVar contains an entry for this variant (Variation ID: 462093). An algorithm developed to predict the effect of missense changes on protein structure and function outputs the following: PolyPhen-2: "Benign". The asparagine amino acid residue is found in multiple mammalian species, which suggests that this missense change does not adversely affect protein function. In summary, the available evidence is currently insufficient to determine the role of this variant in disease. Therefore, it has been classified as a Variant of Uncertain Significance.

Ambry Genetics
Classification: Uncertain significance. Last evaluated: 2024-12-12. Review status: criteria provided, single submitter. Criteria: Ambry Variant Classification Scheme 2023. Collection method: clinical testing. Allele origin: germline.

Literature cited by the submitters: PubMed 33057194 (cited by Labcorp Genetics (formerly Invitae), Labcorp); PubMed 35982159 (cited by Labcorp Genetics (formerly Invitae), Labcorp).